The following is an entry in ClinVar:

NM_016138.5(COQ7):c.74-215G>A

Gene: COQ7 (coenzyme Q7, hydroxylase; plus strand). Cytogenetic location: 16p12.3.
Variant type: single nucleotide variant.
Coding change: c.74-215G>A on transcript NM_016138.5 (MANE Select); 215 bases into the intron before coding-DNA position 74, G replaced by A.
Molecular consequence: intron variant.
Genome position (GRCh38, 1-based): chr16:19,071,713, G>A. VCF-style: chr16-19071713-G-A. GRCh37 (hg19) VCF-style: chr16-19083035-G-A.
Other names: c.74-215G>A (NM_001370490.1); c.-41-215G>A (NM_001370494.1, NM_001190983.2, NM_001370495.1 and 2 more transcripts); c.32-215G>A (NM_001370489.1, NM_001370491.1).
Identifiers: ClinVar variation 683574 (VCV000683574.2), dbSNP rs12443533, ClinGen allele CA14242485.

ClinVar aggregate classification (germline): Benign. Review status: criteria provided, multiple submitters, no conflicts (2 of 4 stars). 2 submissions from 2 submitters: Benign (2). Last evaluated 2018-06-14.

Allele frequency attached by ClinVar (database versions not stated): 1000 Genomes Project 30x 0.45659; 1000 Genomes Project 0.46725; TOPMed 0.46843; gnomAD 0.47473 and 0.48336; gnomAD exomes 0.59486.
gnomAD v4.1: 318,310 of 563,818 alleles (56%); highest among the groups gnomAD compares: East Asian, 76%; 95,740 homozygotes.

Submissions (2):

GeneDx
Classification: Benign. Last evaluated: 2018-06-14. Review status: criteria provided, single submitter. Criteria: GeneDx Variant Classification (06012015). Collection method: clinical testing. Allele origin: germline. Affected: yes.
Comment: This variant is considered likely benign or benign based on one or more of the following criteria: it is a conservative change, it occurs at a poorly conserved position in the protein, it is predicted to be benign by multiple in silico algorithms, and/or has population frequency not consistent with disease.

Breakthrough Genomics
Classification: Benign. Review status: criteria provided, single submitter. Criteria: ACMG Guidelines, 2015. Collection method: not provided. Allele origin: germline. Inheritance: Autosomal recessive inheritance. Affected: yes.